The following is an entry in ClinVar:

NM_000257.4(MYH7):c.816A>T (p.Arg272Ser)

Gene: MYH7 (myosin heavy chain 7; minus strand). Cytogenetic location: 14q11.2.
Variant type: single nucleotide variant.
Coding change: c.816A>T on transcript NM_000257.4 (MANE Select); coding-DNA position 816, A replaced by T.
Protein change: p.Arg272Ser; replaces arginine 272 with serine.
Molecular consequence: missense variant.
Genome position (GRCh38, 1-based): chr14:23,430,980, T>A on the plus strand (A>T on the coding strand, the complement: MYH7 is on the minus strand). VCF-style: chr14-23430980-T-A. GRCh37 (hg19) VCF-style: chr14-23900189-T-A.
Other names: c.816A>T, p.Arg272Ser (NM_001407004.1); short protein forms R272S.
Identifiers: ClinVar variation 2663533 (VCV002663533.2), dbSNP rs1892911353, ClinGen allele CA389051981.

ClinVar aggregate classification (germline): Uncertain significance. Review status: criteria provided, multiple submitters, no conflicts (2 of 4 stars). 2 submissions from 2 submitters: Uncertain significance (2). Last evaluated 2023-10-17.

Submissions (2):

GeneDx
Classification: Uncertain significance. Last evaluated: 2023-10-17. Review status: criteria provided, single submitter. Criteria: GeneDx Variant Classification Process June 2021. Collection method: clinical testing. Allele origin: germline. Affected: yes.
Comment: Has not been previously published as pathogenic or benign to our knowledge; Not observed at significant frequency in large population cohorts (gnomAD); In silico analysis supports that this missense variant has a deleterious effect on protein structure/function; This variant is associated with the following publications: (PMID: 27532257, 29300372)

Blueprint Genetics
Classification: Uncertain significance. Last evaluated: 2022-10-06. Review status: criteria provided, single submitter. Criteria: ACMG Guidelines, 2015. Collection method: clinical testing. Allele origin: germline.